The following is an entry in ClinVar:

NM_199420.4(POLQ):c.3165C>G (p.Ser1055Arg)

Gene: POLQ (DNA polymerase theta; minus strand). Cytogenetic location: 3q13.33.
Variant type: single nucleotide variant.
Coding change: c.3165C>G on transcript NM_199420.4 (MANE Select); coding-DNA position 3165, C replaced by G.
Protein change: p.Ser1055Arg; replaces serine 1055 with arginine.
Molecular consequence: missense variant.
Genome position (GRCh38, 1-based): chr3:121,489,766, G>C on the plus strand (C>G on the coding strand, the complement: POLQ is on the minus strand). VCF-style: chr3-121489766-G-C. GRCh37 (hg19) VCF-style: chr3-121208613-G-C.
Other names: short protein forms S1055R.
Identifiers: ClinVar variation 1728352 (VCV001728352.2), dbSNP rs1235111193, ClinGen allele CA354101465.
Genomic context (GRCh38, chr3:121,489,766, plus strand): 5'-AGGATTAGACAGAGTCTGTCCTTGTAAATGGATTCTACACGCTCCAGAGTCTTTCAGGGG[G>C]CTGCTGTCCCTAGATCGCTTTAGATGCTTTCTACGTTTCCAAGATCGAAAACTTCTGCTC-3'
Protein context (NP_955452.3, residues 1045-1065): RKHLKRSRDS[Ser1055Arg]PLKDSGACRI

ClinVar aggregate classification (germline): Uncertain significance (1 of 4 stars; one submission).

Allele frequency attached by ClinVar (database versions not stated): TOPMed 0.00001.
gnomAD v4.1: 1 of 1,612,184 alleles (0.000062%); highest among the groups gnomAD compares: East Asian, 0.0022%; no homozygotes.

Submission:

Ambry Genetics
Classification: Uncertain significance. Last evaluated: 2022-08-24. Review status: criteria provided, single submitter. Criteria: Ambry Variant Classification Scheme 2023. Collection method: clinical testing. Allele origin: germline.
Comment: The p.S1055R variant (also known as c.3165C>G), located in coding exon 16 of the POLQ gene, results from a C to G substitution at nucleotide position 3165. The serine at codon 1055 is replaced by arginine, an amino acid with dissimilar properties. This amino acid position is conserved. In addition, this alteration is predicted to be tolerated by in silico analysis. Since supporting evidence is limited at this time, the clinical significance of this alteration remains unclear.